The following is an entry in ClinVar:

ClinVar aggregate classification (germline): Uncertain significance. Review status: criteria provided, multiple submitters, no conflicts (2 of 4 stars). 3 submissions from 3 submitters: Uncertain significance (3). Last evaluated 2025-11-01.

Conditions:
Pulmonary fibrosis and/or bone marrow failure, telomere-related, 5. Identifiers: MedGen C5231457, MONDO:0032865, OMIM 618674.

Allele frequency attached by ClinVar (database versions not stated): gnomAD exomes 0.00002; ESP Exome Variant Server 0.00008; ExAC 0.00004; gnomAD 0.00005; TOPMed 0.00005.
gnomAD v4.1: 22 of 1,509,388 alleles (0.0015%); highest among the groups gnomAD compares: African/African-American, 0.0028%; no homozygotes.

Submissions (3):

Labcorp Genetics (formerly Invitae), Labcorp
Classification: Uncertain significance. Last evaluated: 2025-11-01. Review status: criteria provided, single submitter. Criteria: Invitae Variant Classification Sherloc (09022015). Collection method: clinical testing. Allele origin: germline.
Comment: This sequence change replaces threonine, which is neutral and polar, with isoleucine, which is neutral and non-polar, at codon 496 of the ZCCHC8 protein (p.Thr496Ile). This variant is present in population databases (rs369211892, gnomAD 0.009%). This variant has not been reported in the literature in individuals affected with ZCCHC8-related conditions. ClinVar contains an entry for this variant (Variation ID: 932915). Invitae Evidence Modeling of protein sequence and biophysical properties (such as structural, functional, and spatial information, amino acid conservation, physicochemical variation, residue mobility, and thermodynamic stability) indicates that this missense variant is not expected to disrupt ZCCHC8 protein function with a negative predictive value of 80%. In summary, the available evidence is currently insufficient to determine the role of this variant in disease. Therefore, it has been classified as a Variant of Uncertain Significance.

Ambry Genetics
Classification: Uncertain significance. Last evaluated: 2021-10-06. Review status: criteria provided, single submitter. Criteria: Ambry Variant Classification Scheme 2023. Collection method: clinical testing. Allele origin: germline.

Johns Hopkins Genomics, Johns Hopkins University
Classification: Uncertain significance for Pulmonary fibrosis and/or bone marrow failure, telomere-related, 5. Last evaluated: 2020-01-02. Review status: criteria provided, single submitter. Criteria: ACMG Guidelines, 2015. Collection method: clinical testing. Allele origin: germline.
Comment: ZCCHC8 c.1487C>T has not been reported in ClinVar nor the literature, to our knowledge. This variant (rs369211892) is rare (<0.1%) in a large population dataset (gnomAD: 5/197308 total alleles; 0.0025%; no homozygotes). Of three bioinformatics tools queried, one predicts that the substitution would be probably damaging, while two predict that it would be tolerated. The threonine residue at this position is highly evolutionarily conserved across most species assessed. We consider the clinical significance of c.1487C>T to be uncertain at this time.

NM_017612.5(ZCCHC8):c.1487C>T (p.Thr496Ile)

Gene: ZCCHC8 (zinc finger CCHC-type containing 8; minus strand). Cytogenetic location: 12q24.31.
Variant type: single nucleotide variant.
Coding change: c.1487C>T on transcript NM_017612.5 (MANE Select); coding-DNA position 1487, C replaced by T.
Protein change: p.Thr496Ile; replaces threonine 496 with isoleucine.
Molecular consequence: missense variant.
Genome position (GRCh38, 1-based): chr12:122,474,134, G>A on the plus strand (C>T on the coding strand, the complement: ZCCHC8 is on the minus strand). VCF-style: chr12-122474134-G-A. GRCh37 (hg19) VCF-style: chr12-122958681-G-A.
Other names: c.1487C>T (NM_017612.3); c.1256C>T, p.Thr419Ile (NM_001350935.2); c.1190C>T, p.Thr397Ile (NM_001350936.2); c.773C>T, p.Thr258Ile (NM_001350937.2, NM_001350938.2); short protein forms T419I, T258I, T397I, T496I.
Identifiers: ClinVar variation 932915 (VCV000932915.7), dbSNP rs369211892, ClinGen allele CA6846155.